The following is an entry in ClinVar:

NM_018124.4(RFWD3):c.142G>C (p.Gly48Arg)

Gene: RFWD3 (ring finger and WD repeat domain 3; minus strand). Cytogenetic location: 16q23.1.
Variant type: single nucleotide variant.
Coding change: c.142G>C on transcript NM_018124.4 (MANE Select); coding-DNA position 142, G replaced by C.
Protein change: p.Gly48Arg; replaces glycine 48 with arginine.
Molecular consequence: missense variant. On other transcripts: 5 prime UTR variant (4), intron variant (1).
Genome position (GRCh38, 1-based): chr16:74,661,308, C>G on the plus strand (G>C on the coding strand, the complement: RFWD3 is on the minus strand). VCF-style: chr16-74661308-C-G. GRCh37 (hg19) VCF-style: chr16-74695206-C-G.
Other names: c.142G>C, p.Gly48Arg (NM_001370534.1, NM_001370535.1, NM_001370536.1); c.-867G>C (NM_001370537.1); c.-490G>C (NM_001370539.1); c.-744G>C (NM_001370542.1); c.-622G>C (NM_001370543.1); c.-317+3316G>C (NM_001370540.1); short protein forms G48R.
Identifiers: ClinVar variation 3681548 (VCV003681548.2).

ClinVar aggregate classification (germline): Uncertain significance (1 of 4 stars; one submission).

gnomAD v4.1: 24 of 1,614,084 alleles (0.0015%); highest among the groups gnomAD compares: Middle Eastern, 0.049%; no homozygotes.

Submission:

Labcorp Genetics (formerly Invitae), Labcorp
Classification: Uncertain significance. Last evaluated: 2024-07-23. Review status: criteria provided, single submitter. Criteria: Invitae Variant Classification Sherloc (09022015). Collection method: clinical testing. Allele origin: germline.
Comment: This sequence change replaces glycine, which is neutral and non-polar, with arginine, which is basic and polar, at codon 48 of the RFWD3 protein (p.Gly48Arg). This variant is present in population databases (rs756366559, gnomAD 0.009%). This variant has not been reported in the literature in individuals affected with RFWD3-related conditions. An algorithm developed to predict the effect of missense changes on protein structure and function outputs the following: PolyPhen-2: "Benign". The arginine amino acid residue is found in multiple mammalian species, which suggests that this missense change does not adversely affect protein function. In summary, the available evidence is currently insufficient to determine the role of this variant in disease. Therefore, it has been classified as a Variant of Uncertain Significance.